The following is an entry in ClinVar:

NM_198252.3(GSN):c.421G>A (p.Val141Ile)

Gene: GSN (gelsolin; plus strand). Cytogenetic location: 9q33.2.
Variant type: single nucleotide variant.
Coding change: c.421G>A on transcript NM_198252.3 (MANE Select); coding-DNA position 421, G replaced by A.
Protein change: p.Val141Ile; replaces valine 141 with isoleucine.
Molecular consequence: missense variant. On other transcripts: 5 prime UTR variant (1).
Genome position (GRCh38, 1-based): chr9:121,310,753, G>A. VCF-style: chr9-121310753-G-A. GRCh37 (hg19) VCF-style: chr9-124073031-G-A.
Other names: c.574G>A, p.Val192Ile (NM_000177.5); c.421G>A, p.Val141Ile (NM_001127662.2, NM_001127664.2, NM_001127665.2 and 10 more transcripts); c.529G>A, p.Val177Ile (NM_001127663.2); c.454G>A, p.Val152Ile (NM_001127666.2, NM_001127667.2, NM_001353072.2 and 13 more transcripts); c.472G>A, p.Val158Ile (NM_001258029.2); c.445G>A, p.Val149Ile (NM_001258030.2); c.493G>A, p.Val165Ile (NM_001353076.2); c.-234G>A (NM_001353078.2); short protein forms V141I, V177I, V192I, V149I, V165I, V152I, V158I.
Identifiers: ClinVar variation 1967854 (VCV001967854.5), dbSNP rs2061022726, ClinGen allele CA374738967.

ClinVar aggregate classification (germline): Uncertain significance (1 of 4 stars; one submission).

Allele frequency attached by ClinVar (database versions not stated): TOPMed below 0.00001.

Submission:

Labcorp Genetics (formerly Invitae), Labcorp
Classification: Uncertain significance. Last evaluated: 2022-03-09. Review status: criteria provided, single submitter. Criteria: Invitae Variant Classification Sherloc (09022015). Collection method: clinical testing. Allele origin: germline.
Comment: In summary, the available evidence is currently insufficient to determine the role of this variant in disease. Therefore, it has been classified as a Variant of Uncertain Significance. Algorithms developed to predict the effect of missense changes on protein structure and function (SIFT, PolyPhen-2, Align-GVGD) all suggest that this variant is likely to be tolerated. This variant has not been reported in the literature in individuals affected with GSN-related conditions. This variant is not present in population databases (gnomAD no frequency). This sequence change replaces valine, which is neutral and non-polar, with isoleucine, which is neutral and non-polar, at codon 192 of the GSN protein (p.Val192Ile).